The following is an entry in ClinVar:

ClinVar aggregate classification (germline): Likely pathogenic. Review status: criteria provided, multiple submitters, no conflicts (2 of 4 stars). 2 submissions from 2 submitters: Likely pathogenic (2). Last evaluated 2023-07-10.

Conditions:
Autosomal recessive limb-girdle muscular dystrophy type 2J (LGMDR10). Also called: Limb-girdle muscular dystrophy, type 2J; MUSCULAR DYSTROPHY, LIMB-GIRDLE, AUTOSOMAL RECESSIVE 10. Identifiers: Orphanet 140922, MedGen C1837342, MONDO:0012127, OMIM 608807.
Dilated cardiomyopathy 1G (CMD1G). Identifiers: Orphanet 154, MedGen C1858763, MONDO:0011400, OMIM 604145.
Cardiovascular phenotype. Identifiers: MedGen CN230736.

Submissions (2):

Labcorp Genetics (formerly Invitae), Labcorp
Classification: Likely pathogenic for Dilated cardiomyopathy 1G; Autosomal recessive limb-girdle muscular dystrophy type 2J. Last evaluated: 2023-07-10. Review status: criteria provided, single submitter. Criteria: Invitae Variant Classification Sherloc (09022015). Collection method: clinical testing. Allele origin: germline.
Comment: This sequence change creates a premature translational stop signal (p.Trp27490*) in the TTN gene. While this is not anticipated to result in nonsense mediated decay, it is expected to disrupt the last 8502 amino acid(s) of the TTN protein. This variant is not present in population databases (gnomAD no frequency). This premature translational stop signal has been observed in individual(s) with dilated cardiomyopathy (PMID: 27532257). ClinVar contains an entry for this variant (Variation ID: 2451882). This variant is located in the A band of TTN (PMID: 25589632). Truncating variants in this region are significantly overrepresented in patients affected with dilated cardiomyopathy (PMID: 25589632). Truncating variants in this region have also been reported in individuals affected with autosomal recessive centronuclear myopathy (PMID: 23975875). In summary, the currently available evidence indicates that the variant is pathogenic, but additional data are needed to prove that conclusively. Therefore, this variant has been classified as Likely Pathogenic.

Ambry Genetics
Classification: Likely pathogenic for Cardiovascular phenotype. Last evaluated: 2023-01-05. Review status: criteria provided, single submitter. Criteria: Ambry Variant Classification Scheme 2023. Collection method: clinical testing. Allele origin: germline.
Comment: The p.W18425* variant (also known as c.55275G>A), located in coding exon 153 of the TTN gene, results from a G to A substitution at nucleotide position 55275. This changes the amino acid from a tryptophan to a stop codon within coding exon 153. This exon is located in the A-band region of the N2-B isoform of the titin protein and is constitutively expressed in TTN transcripts (percent spliced in or PSI 100%). This variant (referred to as p.W27490X, c.82470G>A) has been detected in an individual reported to have dilated cardiomyopathy (DCM) from a DCM genetic testing cohort (Walsh R et al. Genet Med, 2017 Feb;19:192-203).This variant is considered to be rare based on population cohorts in the Genome Aggregation Database (gnomAD). This alteration is expected to result in loss of function by premature protein truncation or nonsense-mediated mRNA decay. While truncating variants in TTN are present in 1-3% of the general population, truncating variants in the A-band are the most common cause of DCM (Herman DS et al. N. Engl. J. Med., 2012 Feb;366:619-28; Roberts AM et al. Sci Transl Med, 2015 Jan;7:270ra6). TTN truncating variants encoded in constitutive exons (PSI >90%) have been found to be significantly associated with DCM regardless of their position in titin (Schafer S et al. Nat. Genet., 2017 01;49:46-53). Based on the majority of available evidence to date, this variant is likely to be pathogenic.

Literature cited by the submitters: PubMed 27532257 (cited by Labcorp Genetics (formerly Invitae), Labcorp and Ambry Genetics); PubMed 25589632 (cited by Labcorp Genetics (formerly Invitae), Labcorp); PubMed 23975875 (cited by Labcorp Genetics (formerly Invitae), Labcorp).

NM_001267550.2(TTN):c.82470G>A (p.Trp27490Ter)

Genes: TTN (titin; minus strand), TTN-AS1 (TTN antisense RNA 1; plus strand). Cytogenetic location: 2q31.2.
Variant type: single nucleotide variant.
Coding change: c.82470G>A on transcript NM_001267550.2 (MANE Select); coding-DNA position 82470, G replaced by A.
Protein change: p.Trp27490Ter; replaces tryptophan 27490 with a stop codon.
Molecular consequence: nonsense.
Genome position (GRCh38, 1-based): chr2:178,563,662, C>T on the plus strand (G>A on the coding strand, the complement: TTN is on the minus strand). VCF-style: chr2-178563662-C-T. GRCh37 (hg19) VCF-style: chr2-179428389-C-T.
Other names: c.77547G>A, p.Trp25849Ter (NM_001256850.1); c.55275G>A, p.Trp18425Ter (NM_003319.4); c.74766G>A, p.Trp24922Ter (NM_133378.4); c.55650G>A, p.Trp18550Ter (NM_133432.3); c.55851G>A, p.Trp18617Ter (NM_133437.4); short protein forms W18617*, W18425*, W24922*, W25849*, W27490*, W18550*.
Identifiers: ClinVar variation 2451882 (VCV002451882.5), dbSNP rs2468175075, ClinGen allele CA349573367.